The following is an entry in ClinVar:

ClinVar aggregate classification (germline): Uncertain significance (1 of 4 stars; one submission).

gnomAD v4.1: 3 of 1,550,656 alleles (0.00019%); highest among the groups gnomAD compares: South Asian, 0.0012%; no homozygotes.

Submission:

CeGaT Center for Human Genetics Tuebingen
Classification: Uncertain significance. Last evaluated: 2026-07-01. Review status: criteria provided, single submitter. Criteria: CeGaT Center For Human Genetics Tuebingen Variant Classification Criteria Version 2. Collection method: clinical testing. Allele origin: germline. Affected: yes. Observed: 1 variant allele.
Comment: MCM9: PM2, BP4

NM_017696.3(MCM9):c.3146A>G (p.Lys1049Arg)

Gene: MCM9 (minichromosome maintenance 9 homologous recombination repair factor; minus strand). Cytogenetic location: 6q22.31.
Variant type: single nucleotide variant.
Coding change: c.3146A>G on transcript NM_017696.3 (MANE Select); coding-DNA position 3146, A replaced by G.
Protein change: p.Lys1049Arg; replaces lysine 1049 with arginine.
Molecular consequence: missense variant. On other transcripts: 3 prime UTR variant (4), non-coding transcript variant (1).
Genome position (GRCh38, 1-based): chr6:118,815,110, T>C on the plus strand (A>G on the coding strand, the complement: MCM9 is on the minus strand). VCF-style: chr6-118815110-T-C. GRCh37 (hg19) VCF-style: chr6-119136273-T-C.
Other names: c.3146A>G, p.Lys1049Arg (NM_001378356.1, NM_001378357.1); c.*1053A>G (NM_001378359.1, NM_001378360.1, NM_001378366.1 and 1 more transcripts); c.2942A>G, p.Lys981Arg (NM_001378364.1); short protein forms K1049R, K981R.
Identifiers: ClinVar variation 5039774 (VCV005039774.1).